The following is an entry in ClinVar:

NM_020884.7(MYH7B):c.4296dup (p.Glu1433fs)

Gene: MYH7B (myosin heavy chain 7B; plus strand). Cytogenetic location: 20q11.22.
Variant type: Duplication.
Coding change: c.4296dup on transcript NM_020884.7 (MANE Select); coding-DNA position 4296, one base duplicated (A; older notation c.4296dupA).
Protein change: p.Glu1433fs; shifts the reading frame from glutamic acid 1433.
Molecular consequence: frameshift variant.
Genome position (GRCh38, 1-based): chr20:34,999,161, A duplicated. VCF-style (leftmost placement, unchanged base first): chr20-34999160-C-CA. GRCh37 (hg19) VCF-style: chr20-33586963-C-CA.
Other names: short protein forms E1433fs.
Identifiers: ClinVar variation 2889232 (VCV002889232.3), dbSNP rs771431787, ClinGen allele CA9828066.

ClinVar aggregate classification (germline): Uncertain significance (1 of 4 stars; one submission).

Allele frequency attached by ClinVar (database versions not stated): gnomAD 0.00001; gnomAD exomes 0.00001; TOPMed 0.00001; ExAC 0.00003.

Submission:

Labcorp Genetics (formerly Invitae), Labcorp
Classification: Uncertain significance. Last evaluated: 2023-05-08. Review status: criteria provided, single submitter. Criteria: Invitae Variant Classification Sherloc (09022015). Collection method: clinical testing. Allele origin: germline.
Comment: In summary, the available evidence is currently insufficient to determine the role of this variant in disease. Therefore, it has been classified as a Variant of Uncertain Significance. This variant has not been reported in the literature in individuals affected with MYH7B-related conditions. This variant is present in population databases (rs771431787, gnomAD 0.03%). This sequence change creates a premature translational stop signal (p.Glu1475Argfs*68) in the MYH7B gene. It is expected to result in an absent or disrupted protein product. However, the current clinical and genetic evidence is not sufficient to establish whether loss-of-function variants in MYH7B cause disease.